The following is an entry in ClinVar:

NM_053025.4(MYLK):c.4269G>T (p.Thr1423=)

Gene: MYLK (myosin light chain kinase; minus strand). Cytogenetic location: 3q21.1.
Variant type: single nucleotide variant.
Coding change: c.4269G>T on transcript NM_053025.4 (MANE Select); coding-DNA position 4269, G replaced by T.
Protein change: p.Thr1423=; no amino-acid change (threonine 1423 retained).
Molecular consequence: synonymous variant.
Genome position (GRCh38, 1-based): chr3:123,657,145, C>A on the plus strand (G>T on the coding strand, the complement: MYLK is on the minus strand). VCF-style: chr3-123657145-C-A. GRCh37 (hg19) VCF-style: chr3-123375992-C-A.
Other names: c.3741G>T, p.Thr1247= (NM_001321309.2); c.4062G>T, p.Thr1354= (NM_053026.4, NM_053028.4); c.4269G>T, p.Thr1423= (NM_053027.4).
Identifiers: ClinVar variation 2186776 (VCV002186776.4), dbSNP rs574785619, ClinGen allele CA435431524.
Genomic context (GRCh38, chr3:123,657,145, plus strand): 5'-CACATTTGTTTCAAGCCACTGATGAAGTGATGGCAGCCTACCTTCAGGTTTCTCTCCTAC[C>A]GTTGTGAGTTCAGACTCCTGGCTTGGCTCACTGGTTCCATACACGTTGATTGCACGTACA-3'
Protein context (NP_444253.3, residues 1413-1433): SEPSQESELT[Thr1423=]VGEKPEEPKD

ClinVar aggregate classification (germline): Uncertain significance (1 of 4 stars; one submission).

Conditions:
Aortic aneurysm, familial thoracic 7 (AAT7). Also called: AORTIC DISSECTION, FAMILIAL, WITH OR WITHOUT AORTIC ANEURYSM. Identifiers: MedGen C3151077, MONDO:0013418, OMIM 613780.

gnomAD v4.1: 1 of 1,614,148 alleles (0.000062%); highest among the groups gnomAD compares: Non-Finnish European, 0.000085%; no homozygotes.

Submission:

Labcorp Genetics (formerly Invitae), Labcorp
Classification: Uncertain significance for Aortic aneurysm, familial thoracic 7. Last evaluated: 2022-03-28. Review status: criteria provided, single submitter. Criteria: Invitae Variant Classification Sherloc (09022015). Collection method: clinical testing. Allele origin: germline.
Comment: This variant is not present in population databases (gnomAD no frequency). This variant has not been reported in the literature in individuals affected with MYLK-related conditions. This sequence change affects codon 1423 of the MYLK mRNA. It is a 'silent' change, meaning that it does not change the encoded amino acid sequence of the MYLK protein. Algorithms developed to predict the effect of sequence changes on RNA splicing suggest that this variant may disrupt the consensus splice site. In summary, the available evidence is currently insufficient to determine the role of this variant in disease. Therefore, it has been classified as a Variant of Uncertain Significance.